The following is an entry in ClinVar:

NC_000017.10:g.(?_41219605)_(41277500_?)dup

Gene: BRCA1 (BRCA1 DNA repair associated; minus strand). Cytogenetic location: 17q21.31.
Variant type: Duplication.
Identifiers: ClinVar variation 2425720 (VCV002425720.7).

ClinVar aggregate classification (germline): Uncertain significance (1 of 4 stars; one submission).

Conditions:
Hereditary breast ovarian cancer syndrome. Also called: Hereditary breast and ovarian cancer syndrome (HBOC); Breast and ovarian cancer; Hereditary breast and/or ovarian cancer syndrome; Hereditary breast and ovarian cancer; BRCA1- and BRCA2-Associated Hereditary Breast and Ovarian Cancer; Hereditary breast and ovarian cancer syndrome. Identifiers: Orphanet 145, MedGen C0677776, MeSH D061325, MONDO:0003582. Disease mechanism: loss of function.

Submission:

Labcorp Genetics (formerly Invitae), Labcorp
Classification: Uncertain significance for Hereditary breast ovarian cancer syndrome. Last evaluated: 2023-01-17. Review status: criteria provided, single submitter. Criteria: Invitae Variant Classification Sherloc (09022015). Collection method: clinical testing. Allele origin: germline.
Comment: This variant has not been reported in the literature in individuals affected with BRCA1-related conditions. In summary, the available evidence is currently insufficient to determine the role of this variant in disease. Therefore, it has been classified as a Variant of Uncertain Significance. This variant results in a copy number gain of the genomic region encompassing exon(s) 1-16 of the BRCA1 gene. This region includes the initiator codon of the gene. This copy number gain extends beyond the assayed region for this gene and therefore may encompass additional genes. As the precise location of this event is unknown, it may be in tandem or it may be located elsewhere in the genome.